The following is an entry in ClinVar:

ClinVar aggregate classification (germline): Benign/Likely benign. Review status: criteria provided, multiple submitters, no conflicts (2 of 4 stars). 3 submissions from 3 submitters: Benign (1); Likely benign (2). Last evaluated 2025-12-25.

Allele frequency attached by ClinVar (database versions not stated): gnomAD 0.00002 and 0.00015; TOPMed 0.00008; gnomAD exomes 0.00032 and 0.00055; ExAC 0.00069; 1000 Genomes Project 30x 0.00094; 1000 Genomes Project 0.00120.
gnomAD v4.1: 499 of 1,613,796 alleles (0.031%); highest among the groups gnomAD compares: South Asian, 0.41%; 5 homozygotes.

Submissions (3):

Labcorp Genetics (formerly Invitae), Labcorp
Classification: Benign. Last evaluated: 2025-12-25. Review status: criteria provided, single submitter. Criteria: Invitae Variant Classification Sherloc (09022015). Collection method: clinical testing. Allele origin: germline.

Blueprint Genetics
Classification: Likely benign. Last evaluated: 2024-11-25. Review status: criteria provided, single submitter. Criteria: ACMG Guidelines, 2015. Collection method: clinical testing. Allele origin: germline.

CeGaT Center for Human Genetics Tuebingen
Classification: Likely benign. Last evaluated: 2023-03-01. Review status: criteria provided, single submitter. Criteria: CeGaT Center For Human Genetics Tuebingen Variant Classification Criteria Version 2. Collection method: clinical testing. Allele origin: germline. Affected: yes. Observed: 1 variant allele.
Comment: LTBP2: BP4, BP7

NM_000428.3(LTBP2):c.3468C>T (p.Gly1156=)

Gene: LTBP2 (latent transforming growth factor beta binding protein 2; minus strand). Cytogenetic location: 14q24.3.
Variant type: single nucleotide variant.
Coding change: c.3468C>T on transcript NM_000428.3 (MANE Select); coding-DNA position 3468, C replaced by T.
Protein change: p.Gly1156=; no amino-acid change (glycine 1156 retained).
Molecular consequence: synonymous variant.
Genome position (GRCh38, 1-based): chr14:74,508,888, G>A on the plus strand (C>T on the coding strand, the complement: LTBP2 is on the minus strand). VCF-style: chr14-74508888-G-A. GRCh37 (hg19) VCF-style: chr14-74975591-G-A.
Identifiers: ClinVar variation 726640 (VCV000726640.33), dbSNP rs370447827, ClinGen allele CA7269156.
Genomic context (GRCh38, chr14:74,508,888, plus strand): 5'-ACCCTCACACACGGTGCCATTGGCCAGCTGGAAGCCCTGGGGACAGAGGCACTGGTAGGA[G>A]CCCACAGTGTTCTTGCACTCGCCTCCCAGGCAGCTGCTCTGGGGGTCTTCACATTCATCC-3'
Protein context (NP_000419.1, residues 1146-1166): CLGGECKNTV[Gly1156=]SYQCLCPQGF